The following is an entry in ClinVar:

ClinVar aggregate classification (germline): Benign. Review status: criteria provided, multiple submitters, no conflicts (2 of 4 stars). 5 submissions from 5 submitters: Benign (4). 1 of the submissions does not count toward it. Last evaluated 2026-02-03.

Conditions:
ALG12-related disorder. Also called: ALG12-related condition.
ALG12-congenital disorder of glycosylation (CDG1G). Also called: CDG Ig; Congenital disorder of glycosylation, type Ig; ALG12-CDG. Identifiers: Orphanet 79324, MedGen C2931001, MONDO:0011783, OMIM 607143.

Allele frequency attached by ClinVar (database versions not stated): 1000 Genomes Project 0.01038; 1000 Genomes Project 30x 0.01046; TOPMed 0.02136; ESP Exome Variant Server 0.02676; gnomAD 0.02709 and 0.02811; gnomAD exomes 0.03010 and 0.03478; ExAC 0.03196.
gnomAD v4.1: 54,577 of 1,614,076 alleles (3.4%); highest among the groups gnomAD compares: Non-Finnish European, 3.8%; 1,186 homozygotes.

Submissions (5):

Labcorp Genetics (formerly Invitae), Labcorp
Classification: Benign for ALG12-congenital disorder of glycosylation. Last evaluated: 2026-02-03. Review status: criteria provided, single submitter. Criteria: Invitae Variant Classification Sherloc (09022015). Collection method: clinical testing. Allele origin: germline.

GeneDx
Classification: Benign. Last evaluated: 2021-05-04. Review status: criteria provided, single submitter. Criteria: GeneDx Variant Classification Process June 2021. Collection method: clinical testing. Allele origin: germline. Affected: yes.

Illumina Laboratory Services, Illumina
Classification: Benign for ALG12-congenital disorder of glycosylation. Last evaluated: 2018-01-13. Review status: criteria provided, single submitter. Criteria: ICSL Variant Classification Criteria 13 December 2019. Collection method: clinical testing. Allele origin: germline.
Comment: This variant was observed in the ICSL laboratory as part of a predisposition screen in an ostensibly healthy population. It had not been previously curated by ICSL or reported in the Human Gene Mutation Database (HGMD: prior to June 1st, 2018), and was therefore a candidate for classification through an automated scoring system. Utilizing variant allele frequency, disease prevalence and penetrance estimates, and inheritance mode, an automated score was calculated to assess if this variant is too frequent to cause the disease. Based on the score and internal cut-off values, a variant classified as benign is not then subjected to further curation. The score for this variant resulted in a classification of benign for this disease.

Breakthrough Genomics
Classification: Benign. Review status: criteria provided, single submitter. Criteria: ACMG Guidelines, 2015. Collection method: not provided. Allele origin: germline. Inheritance: Autosomal recessive inheritance. Affected: yes.

PreventionGenetics, part of Exact Sciences
Classification: Benign for ALG12-related condition. Last evaluated: 2020-02-24. Review status: no assertion criteria provided. Collection method: clinical testing. Allele origin: germline. Not counted in ClinVar's aggregate classification.
Comment: This variant is classified as benign based on ACMG/AMP sequence variant interpretation guidelines (Richards et al. 2015 PMID: 25741868, with internal and published modifications).

NM_024105.4(ALG12):c.1029G>A (p.Ala343=)

Gene: ALG12 (ALG12 alpha-1,6-mannosyltransferase; minus strand). Cytogenetic location: 22q13.33.
Variant type: single nucleotide variant.
Coding change: c.1029G>A on transcript NM_024105.4 (MANE Select); coding-DNA position 1029, G replaced by A.
Protein change: p.Ala343=; no amino-acid change (alanine 343 retained).
Molecular consequence: synonymous variant.
Genome position (GRCh38, 1-based): chr22:49,904,470, C>T on the plus strand (G>A on the coding strand, the complement: ALG12 is on the minus strand). VCF-style: chr22-49904470-C-T. GRCh37 (hg19) VCF-style: chr22-50298118-C-T.
Identifiers: ClinVar variation 342045 (VCV000342045.20), dbSNP rs62233155, ClinGen allele CA10300361.